The following is an entry in ClinVar:

NM_000530.8(MPZ):c.569T>C (p.Leu190Pro)

Gene: MPZ (myelin protein zero; minus strand). Cytogenetic location: 1q23.3.
Variant type: single nucleotide variant.
Coding change: c.569T>C on transcript NM_000530.8 (MANE Select); coding-DNA position 569, T replaced by C.
Protein change: p.Leu190Pro; replaces leucine 190 with proline.
Molecular consequence: missense variant.
Genome position (GRCh38, 1-based): chr1:161,306,344, A>G on the plus strand (T>C on the coding strand, the complement: MPZ is on the minus strand). VCF-style: chr1-161306344-A-G. GRCh37 (hg19) VCF-style: chr1-161276134-A-G.
Other names: c.569T>C, p.Leu190Pro (NM_001315491.2); short protein forms L190P.
Identifiers: ClinVar variation 917377 (VCV000917377.2), dbSNP rs1670242746, ClinGen allele CA343345376.
Genomic context (GRCh38, chr1:161,306,344, plus strand): 5'-GGGATAGTGGGGAGAGGGGGAGGGGAGCTAGGCTCCGCCCCTTACCTGAGCCTCCTCTGC[A>G]GGGCCGCCTGCCTGCGTAGCCAGCAGTACCGAACCACGTAGAAAAGCAGCAGCAGCAACA-3'
Protein context (NP_000521.2, residues 180-200): RYCWLRRQAA[Leu190Pro]QRRLSAMEKG

ClinVar aggregate classification (germline): Uncertain significance. Review status: criteria provided, multiple submitters, no conflicts (2 of 4 stars). 2 submissions from 2 submitters: Uncertain significance (2). Last evaluated 2026-05-29.

Conditions:
Charcot-Marie-Tooth disease. Also called: Charcot-Marie-Tooth Hereditary Neuropathy; Charcot-Marie-Tooth Neuropathy. Identifiers: Orphanet 166, MedGen C0007959, MONDO:0015626.

Allele frequency attached by ClinVar (database versions not stated): gnomAD exomes 0.00001.
gnomAD v4.1: 3 of 1,614,194 alleles (0.00019%); highest among the groups gnomAD compares: Non-Finnish European, 0.00025%; no homozygotes.

Submissions (2):

Women's Health and Genetics/Laboratory Corporation of America, LabCorp
Classification: Uncertain significance. Last evaluated: 2026-05-29. Review status: criteria provided, single submitter. Criteria: LabCorp Variant Classification Summary - May 2015. Collection method: clinical testing. Allele origin: germline.
Comment: Variant summary: MPZ c.569T>C (p.Leu190Pro) results in a non-conservative amino acid change in the encoded protein sequence. Algorithms developed to predict the effect of missense changes on protein structure and function all suggest that this variant is likely to be disruptive. The variant was absent in 250630 control chromosomes (gnomAD). The available data on variant occurrences in the general population are insufficient to allow any conclusion about variant significance. c.569T>C has been observed in one individual affected with Charcot-Marie-Tooth disease (Volodarsky_2021). The report does not provide unequivocal conclusions about association of the variant with disease. To our knowledge, no experimental evidence demonstrating an impact on protein function has been reported. The following publications have been ascertained in the context of this evaluation (PMID: 38585811, 32376792). ClinVar contains an entry for this variant (Variation ID: 917377). Based on the evidence outlined above, the variant was classified as uncertain significance.

Molecular Genetics Laboratory, London Health Sciences Centre
Classification: Uncertain significance for Charcot-Marie-Tooth disease. Review status: criteria provided, single submitter. Criteria: ACMG Guidelines, 2015. Collection method: clinical testing. Allele origin: germline. Affected: yes.

Literature cited by the submitters: PubMed 32376792 (cited by Women's Health and Genetics/Laboratory Corporation of America, LabCorp); PubMed 38585811 (cited by Women's Health and Genetics/Laboratory Corporation of America, LabCorp).